The following is an entry in ClinVar:

ClinVar aggregate classification (germline): Uncertain significance (1 of 4 stars; one submission).

gnomAD v4.1: 3 of 1,602,394 alleles (0.00019%); highest among the groups gnomAD compares: South Asian, 0.0033%; no homozygotes.

Submission:

Labcorp Genetics (formerly Invitae), Labcorp
Classification: Uncertain significance. Last evaluated: 2023-03-27. Review status: criteria provided, single submitter. Criteria: Invitae Variant Classification Sherloc (09022015). Collection method: clinical testing. Allele origin: germline.
Comment: In summary, the available evidence is currently insufficient to determine the role of this variant in disease. Therefore, it has been classified as a Variant of Uncertain Significance. An algorithm developed to predict the effect of missense changes on protein structure and function (PolyPhen-2) suggests that this variant is likely to be disruptive. This variant is present in population databases (no rsID available, gnomAD 0.007%). This sequence change replaces glutamic acid, which is acidic and polar, with lysine, which is basic and polar, at codon 1168 of the GRM1 protein (p.Glu1168Lys). This variant has not been reported in the literature in individuals affected with GRM1-related conditions.

NM_001278064.2(GRM1):c.3502G>A (p.Glu1168Lys)

Gene: GRM1 (glutamate metabotropic receptor 1; plus strand). Cytogenetic location: 6q24.3.
Variant type: single nucleotide variant.
Coding change: c.3502G>A on transcript NM_001278064.2 (MANE Select); coding-DNA position 3502, G replaced by A.
Protein change: p.Glu1168Lys; replaces glutamic acid 1168 with lysine.
Molecular consequence: missense variant. On other transcripts: 3 prime UTR variant (3).
Genome position (GRCh38, 1-based): chr6:146,434,713, G>A. VCF-style: chr6-146434713-G-A. GRCh37 (hg19) VCF-style: chr6-146755849-G-A.
Other names: c.*866G>A (NM_001278065.2); c.*831G>A (NM_001278066.1); c.*740G>A (NM_001278067.1); short protein forms E1168K.
Identifiers: ClinVar variation 2846420 (VCV002846420.3), dbSNP rs748991380, ClinGen allele CA366193968.
Genomic context (GRCh38, chr6:146,434,713, plus strand): 5'-CCGTCGCCTTTCCGCGACTCGGTGGCCTCGGGCAGCTCGGTGCCCAGCTCCCCCGTGTCC[G>A]AGTCGGTGCTCTGCACCCCTCCCAACGTATCCTACGCCTCTGTCATTCTGCGGGACTACA-3'
Protein context (NP_001264993.1, residues 1158-1178): GSSVPSSPVS[Glu1168Lys]SVLCTPPNVS